The following is an entry in ClinVar:

NM_004621.6(TRPC6):c.*336C>T

Gene: TRPC6 (transient receptor potential cation channel subfamily C member 6; minus strand). Cytogenetic location: 11q22.1.
Variant type: single nucleotide variant.
Coding change: c.*336C>T on transcript NM_004621.6 (MANE Select); 336 bases downstream of the stop codon, C replaced by T.
Molecular consequence: 3 prime UTR variant.
Genome position (GRCh38, 1-based): chr11:101,452,619, G>A on the plus strand (C>T on the coding strand, the complement: TRPC6 is on the minus strand). VCF-style: chr11-101452619-G-A. GRCh37 (hg19) VCF-style: chr11-101323350-G-A.
Identifiers: ClinVar variation 301891 (VCV000301891.5), dbSNP rs199619303, ClinGen allele CA10629685.
Genomic context (GRCh38, chr11:101,452,619, plus strand): 5'-CAGAGCAGGCAAGAAGGAACCTGAAATAAACTTCAGAGGAAAAACCGCATGGGGAGTAAC[G>A]TGGGTCAGCCCCTGTCCGCTGGGACCCATTTTCAGGCAGACACTACATGGCAATGACATC-3'

ClinVar aggregate classification (germline): Benign (1 of 4 stars; one submission).

Conditions:
Focal segmental glomerulosclerosis 2 (FSGS2). Identifiers: Orphanet 656, MedGen C1858915, MONDO:0011390, OMIM 603965.

Allele frequency attached by ClinVar (database versions not stated): gnomAD 0.00001 and 0.00003; gnomAD exomes 0.00001; TOPMed 0.00002; 1000 Genomes Project 0.00040.
gnomAD v4.1: 6 of 256,348 alleles (0.0023%); highest among the groups gnomAD compares: South Asian, 0.011%; no homozygotes.

Submission:

Illumina Laboratory Services, Illumina
Classification: Benign for Focal segmental glomerulosclerosis 2. Last evaluated: 2018-01-12. Review status: criteria provided, single submitter. Criteria: ICSL Variant Classification Criteria 13 December 2019. Collection method: clinical testing. Allele origin: germline.
Comment: This variant was observed in the ICSL laboratory as part of a predisposition screen in an ostensibly healthy population. It had not been previously curated by ICSL or reported in the Human Gene Mutation Database (HGMD: prior to June 1st, 2018), and was therefore a candidate for classification through an automated scoring system. Utilizing variant allele frequency, disease prevalence and penetrance estimates, and inheritance mode, an automated score was calculated to assess if this variant is too frequent to cause the disease. Based on the score and internal cut-off values, a variant classified as benign is not then subjected to further curation. The score for this variant resulted in a classification of benign for this disease.